The following is an entry in ClinVar:

NM_181458.4(PAX3):c.230G>A (p.Arg77His)

Gene: PAX3 (paired box 3; minus strand). Cytogenetic location: 2q36.1.
Variant type: single nucleotide variant.
Coding change: c.230G>A on transcript NM_181458.4 (MANE Select); coding-DNA position 230, G replaced by A.
Protein change: p.Arg77His; replaces arginine 77 with histidine.
Molecular consequence: missense variant.
Genome position (GRCh38, 1-based): chr2:222,297,069, C>T on the plus strand (G>A on the coding strand, the complement: PAX3 is on the minus strand). VCF-style: chr2-222297069-C-T. GRCh37 (hg19) VCF-style: chr2-223161788-C-T.
Other names: c.230G>A, p.Arg77His (NM_000438.6, NM_001127366.3, NM_013942.5 and 4 more transcripts); short protein forms R77H.
Identifiers: ClinVar variation 4996670 (VCV004996670.1).

ClinVar aggregate classification (germline): Uncertain significance (1 of 4 stars; one submission).

Conditions:
PAX3-related disorder. Also called: PAX3-related condition.

Submission:

PreventionGenetics, part of Exact Sciences
Classification: Uncertain significance for PAX3-related condition. Last evaluated: 2026-07-14. Review status: criteria provided, single submitter. Criteria: ACMG Guidelines, 2015. Collection method: clinical testing. Allele origin: germline.
Comment: The PAX3 c.230G>A variant is predicted to result in the amino acid substitution p.Arg77His. To our knowledge, this variant has not been reported in the literature or in a large population database (gnomAD), indicating this variant is rare. At this time, the clinical significance of this variant is uncertain due to the absence of conclusive functional and genetic evidence.